The following is an entry in ClinVar:

ClinVar aggregate classification (germline): Pathogenic/Likely pathogenic. Review status: criteria provided, multiple submitters, no conflicts (2 of 4 stars). 7 submissions from 7 submitters: Pathogenic (6); Likely pathogenic (1). Last evaluated 2025-12-23.

Conditions:
COL18A1-related disorder. Also called: COL18A1-related condition; COL18A1-related disorders.
Knobloch syndrome 1 (KNO1). Identifiers: MedGen C4551775, MONDO:0800167, OMIM 267750.

Allele frequency attached by ClinVar (database versions not stated): ExAC 0.00001; gnomAD 0.00001; gnomAD exomes 0.00001.
gnomAD v4.1: 10 of 1,611,410 alleles (0.00062%); highest among the groups gnomAD compares: East Asian, 0.0022%; no homozygotes.

Submissions (7):

Women's Health and Genetics/Laboratory Corporation of America, LabCorp
Classification: Pathogenic for Knobloch syndrome 1. Last evaluated: 2025-12-23. Review status: criteria provided, single submitter. Criteria: LabCorp Variant Classification Summary - May 2015. Collection method: clinical testing. Allele origin: germline.
Comment: Variant summary: COL18A1 NM_001379500.1 c.2743C>T (p.Arg915X) (also known as NM_130444.3: c.3988C>T; p.Arg1330X) results in a premature termination codon, predicted to cause a truncation of the encoded protein or absence of the protein due to nonsense mediated decay, which are commonly known mechanisms for disease. The frequency data for this variant in gnomAD is considered unreliable, as metrics indicate poor data quality at this position. c.2743C>T has been observed in multiple individuals affected with Knobloch Syndrome 1 (e.g., Aldahmesh_2011). These data indicate that the variant is very likely to be associated with disease. The following publication has been ascertained in the context of this evaluation (PMID: 21862674). ClinVar contains an entry for this variant (Variation ID: 191317). Based on the evidence outlined above, the variant was classified as pathogenic.

Labcorp Genetics (formerly Invitae), Labcorp
Classification: Pathogenic. Last evaluated: 2024-12-16. Review status: criteria provided, single submitter. Criteria: Invitae Variant Classification Sherloc (09022015). Collection method: clinical testing. Allele origin: germline.
Comment: This sequence change creates a premature translational stop signal (p.Arg915*) in the COL18A1 gene. It is expected to result in an absent or disrupted protein product. Loss-of-function variants in COL18A1 are known to be pathogenic (PMID: 12415512, 25456301). This variant is not present in population databases (gnomAD no frequency). This premature translational stop signal has been observed in individual(s) with Knobloch syndrome (PMID: 21862674). ClinVar contains an entry for this variant (Variation ID: 191317). For these reasons, this variant has been classified as Pathogenic.

Blueprint Genetics
Classification: Pathogenic for COL18A1-related disorders. Last evaluated: 2022-12-09. Review status: criteria provided, single submitter. Criteria: ACMG Guidelines, 2015. Collection method: clinical testing. Allele origin: germline. Affected: yes. Observed: 2 variant alleles.

CeGaT Center for Human Genetics Tuebingen
Classification: Pathogenic. Last evaluated: 2022-01-01. Review status: criteria provided, single submitter. Criteria: CeGaT Center For Human Genetics Tuebingen Variant Classification Criteria Version 2. Collection method: clinical testing. Allele origin: germline. Affected: yes. Observed: 3 variant alleles.

Revvity Omics, Revvity
Classification: Pathogenic. Last evaluated: 2019-09-05. Review status: criteria provided, single submitter. Criteria: ACMG Guidelines, 2015. Collection method: clinical testing. Allele origin: germline.

Genomic Medicine Center of Excellence, King Faisal Specialist Hospital and Research Centre
Classification: Likely pathogenic. Review status: criteria provided, single submitter. Criteria: ACMG Guidelines, 2015. Collection method: research. Allele origin: germline. Affected: yes.

Juno Genomics, Hangzhou Juno Genomics, Inc
Classification: Pathogenic for Knobloch syndrome 1. Review status: criteria provided, single submitter. Criteria: ACMG Guidelines, 2015. Collection method: clinical testing. Allele origin: germline. Affected: yes.
Comment: Null variant in a gene where loss of function (LOF) is a known mechanism of disease.;Absent from controls (or at extremely low frequency if recessive) in Genome Aggregation Database, Exome Sequencing Project, 1000 Genomes Project, or Exome Aggregation Consortium.;For recessive disorders, detected in trans with a pathogenic variant.;Patient's phenotype or family history is highly specific for a disease with a single genetic etiology.

Literature cited by the submitters: PubMed 21862674 (cited by Women's Health and Genetics/Laboratory Corporation of America, LabCorp and Labcorp Genetics (formerly Invitae), Labcorp); PubMed 12415512 (cited by Labcorp Genetics (formerly Invitae), Labcorp); PubMed 25456301 (cited by Labcorp Genetics (formerly Invitae), Labcorp).

NM_001379500.1(COL18A1):c.2743C>T (p.Arg915Ter)

Genes: SLC19A1 (solute carrier family 19 member 1; minus strand), COL18A1 (collagen type XVIII alpha 1 chain; plus strand). Cytogenetic location: 21q22.3.
Variant type: single nucleotide variant.
Coding change: c.2743C>T on transcript NM_001379500.1 (MANE Select); coding-DNA position 2743, C replaced by T.
Protein change: p.Arg915Ter; replaces arginine 915 with a stop codon.
Molecular consequence: nonsense.
Genome position (GRCh38, 1-based): chr21:45,504,431, C>T. VCF-style: chr21-45504431-C-T. GRCh37 (hg19) VCF-style: chr21-46924345-C-T.
Other names: NM_130445.2:c.2743C>T; c.3283C>T, p.Arg1095Ter (NM_030582.4); c.3988C>T, p.Arg1330Ter (NM_130444.3); short protein forms R1095*, R1330*.
Identifiers: ClinVar variation 191317 (VCV000191317.47), dbSNP rs753824908, ClinGen allele CA236429.